The following is an entry in ClinVar:

NM_001003694.2(BRPF1):c.2874G>A (p.Ser958=)

Gene: BRPF1 (bromodomain and PHD finger containing 1; plus strand). Cytogenetic location: 3p25.3.
Variant type: single nucleotide variant.
Coding change: c.2874G>A on transcript NM_001003694.2 (MANE Select); coding-DNA position 2874, G replaced by A.
Protein change: p.Ser958=; no amino-acid change (serine 958 retained).
Molecular consequence: synonymous variant. On other transcripts: non-coding transcript variant (1), intron variant (1).
Genome position (GRCh38, 1-based): chr3:9,744,462, G>A. VCF-style: chr3-9744462-G-A. GRCh37 (hg19) VCF-style: chr3-9786146-G-A.
Other names: c.2853G>A, p.Ser951= (NM_001319050.2); c.2871G>A, p.Ser957= (NM_001410704.1); c.2856G>A, p.Ser952= (NM_004634.3); c.2618-546G>A (NM_001319049.2).
Identifiers: ClinVar variation 2653495 (VCV002653495.24), dbSNP rs370008159, ClinGen allele CA2242221.

ClinVar aggregate classification (germline): Likely benign (1 of 4 stars; one submission).

Allele frequency attached by ClinVar (database versions not stated): TOPMed below 0.00001; gnomAD 0.00001; gnomAD exomes 0.00001; ExAC 0.00002; ESP Exome Variant Server 0.00008.
gnomAD v4.1: 13 of 1,581,640 alleles (0.00082%); highest among the groups gnomAD compares: Middle Eastern, 0.017%; no homozygotes.

Submission:

CeGaT Center for Human Genetics Tuebingen
Classification: Likely benign. Last evaluated: 2022-05-01. Review status: criteria provided, single submitter. Criteria: CeGaT Center For Human Genetics Tuebingen Variant Classification Criteria Version 2. Collection method: clinical testing. Allele origin: germline. Affected: yes. Observed: 1 variant allele.
Comment: BRPF1: BP4, BP7